The following is an entry in ClinVar:

ClinVar aggregate classification (germline): Pathogenic (1 of 4 stars; one submission).

Conditions:
Hypertelorism. Identifiers: MedGen C0020534, OMIM 145400, HP:0000316.
Myopia. Also called: Myopia (disease). Identifiers: MedGen C0027092, MONDO:0001384, HP:0000545.
Abnormal sternum morphology. Also called: Abnormality of the sternum. Identifiers: MedGen C1860493, HP:0000766.
Joint laxity. Identifiers: MedGen C0086437.
Inguinal hernia. Identifiers: MedGen C0019294, HP:0000023.
Retinal dystrophy. Also called: Inherited retinal dystrophy. Identifiers: Orphanet 71862, MedGen C0854723, MeSH D058499, MONDO:0019118, HP:0000556.

Allele frequency attached by ClinVar (database versions not stated): gnomAD exomes 0.00002 and 0.00001; gnomAD 0.00001; ExAC 0.00002.
gnomAD v4.1: 10 of 1,614,010 alleles (0.00062%); highest among the groups gnomAD compares: Non-Finnish European, 0.00085%; no homozygotes.

Submission:

Laboratory of Medical Genetics (UMR_S 1112), INSERM/Strasbourg University
Classification: Pathogenic for Hypertelorism; Myopia; Retinal dystrophy; Abnormal sternum morphology; Joint hypermobility; Inguinal hernia. Last evaluated: 2020-01-01. Review status: criteria provided, single submitter. Criteria: ACMG Guidelines, 2015. Collection method: research. Allele origin: inherited. Inheritance: Autosomal recessive inheritance. Affected: yes. Observed: 1 variant allele.
Comment: Variant observed in compound heterozygosity: c.[1358G>A];[3144G>A]

NM_013390.3(CEMIP2):c.3144G>A (p.Trp1048Ter)

Gene: CEMIP2 (cell migration inducing hyaluronidase 2; minus strand). Cytogenetic location: 9q21.13.
Variant type: single nucleotide variant.
Coding change: c.3144G>A on transcript NM_013390.3 (MANE Select); coding-DNA position 3144, G replaced by A.
Protein change: p.Trp1048Ter; replaces tryptophan 1048 with a stop codon.
Molecular consequence: nonsense.
Genome position (GRCh38, 1-based): chr9:71,704,645, C>T on the plus strand (G>A on the coding strand, the complement: CEMIP2 is on the minus strand). VCF-style: chr9-71704645-C-T. GRCh37 (hg19) VCF-style: chr9-74319561-C-T.
Other names: c.2955G>A, p.Trp985Ter (NM_001135820.2); c.1230G>A, p.Trp410Ter (NM_001349784.2); short protein forms W1048*, W410*, W985*.
Identifiers: ClinVar variation 827847 (VCV000827847.3), dbSNP rs766829965, ClinGen allele CA5079480.